The following is an entry in ClinVar:

NM_177438.3(DICER1):c.3270-1G>C

Gene: DICER1 (dicer 1, ribonuclease III; minus strand). Cytogenetic location: 14q32.13.
Variant type: single nucleotide variant.
Coding change: c.3270-1G>C on transcript NM_177438.3 (MANE Select); the canonical splice acceptor site of the intron before coding-DNA position 3270, G replaced by C.
Molecular consequence: splice acceptor variant.
Genome position (GRCh38, 1-based): chr14:95,104,127, C>G on the plus strand (G>C on the coding strand, the complement: DICER1 is on the minus strand). VCF-style: chr14-95104127-C-G. GRCh37 (hg19) VCF-style: chr14-95570464-C-G.
Other names: c.3270-1G>C (NM_001395684.1, NM_001395683.1, NM_001395679.1 and 12 more transcripts); c.2865-1G>C (NM_001395688.1, NM_001395696.1, NM_001395690.1 and 2 more transcripts); c.1587-1G>C (NM_001395697.1); c.2988-1G>C (NM_001395686.1); c.2703-1G>C (NM_001395691.1).
Identifiers: ClinVar variation 1184717 (VCV001184717.9), dbSNP rs2139972425, ClinGen allele CA390876145.

ClinVar aggregate classification (germline): Pathogenic/Likely pathogenic. Review status: criteria provided, multiple submitters, no conflicts (2 of 4 stars). 2 submissions from 2 submitters: Pathogenic (1); Likely pathogenic (1). Last evaluated 2021-12-23.

Conditions:
DICER1-related tumor predisposition. Also called: DICER1 syndrome; DICER1-related pleuropulmonary blastoma cancer predisposition syndrome. Identifiers: Orphanet 284343, MedGen C3839822, MONDO:0100216.

Submissions (2):

Labcorp Genetics (formerly Invitae), Labcorp
Classification: Likely pathogenic for DICER1-related tumor predisposition. Last evaluated: 2021-12-23. Review status: criteria provided, single submitter. Criteria: Invitae Variant Classification Sherloc (09022015). Collection method: clinical testing. Allele origin: germline.
Comment: This sequence change affects an acceptor splice site in intron 20 of the DICER1 gene. It is expected to disrupt RNA splicing. Variants that disrupt the donor or acceptor splice site typically lead to a loss of protein function (PMID: 16199547), and loss-of-function variants in DICER1 are known to be pathogenic (PMID: 19556464, 21266384). This variant is not present in population databases (gnomAD no frequency). This variant has not been reported in the literature in individuals affected with DICER1-related conditions. ClinVar contains an entry for this variant (Variation ID: 1184717). Algorithms developed to predict the effect of sequence changes on RNA splicing suggest that this variant may disrupt the consensus splice site. In summary, the currently available evidence indicates that the variant is pathogenic, but additional data are needed to prove that conclusively. Therefore, this variant has been classified as Likely Pathogenic.

St. Jude Molecular Pathology, St. Jude Children's Research Hospital
Classification: Pathogenic for DICER1-related tumor predisposition. Last evaluated: 2021-07-22. Review status: criteria provided, single submitter. Criteria: St. Jude Assertion Criteria 2020. Collection method: clinical testing. Allele origin: germline.
Comment: The DICER1 c.3270-1G>C intronic change results in a G to C substitution at the -1 position of intron 20 of the DICER1 gene (PVS1). Algorithms that predict the impact of sequence changes on splicing indicate that this change may abolish the native splice acceptor site and likely results in an absent or disrupted protein product. This variant is absent in gnomAD v2.1.1 (PM2_supporting). In summary, this variant meets criteria to be classified as pathogenic based on the ACMG/AMP criteria: PVS1, PS4_supporting, PM2_supporting.

Literature cited by the submitters: PubMed 16199547 (cited by Labcorp Genetics (formerly Invitae), Labcorp); PubMed 19556464 (cited by Labcorp Genetics (formerly Invitae), Labcorp); PubMed 21266384 (cited by Labcorp Genetics (formerly Invitae), Labcorp).